The following is an entry in ClinVar:

ClinVar aggregate classification (germline): Pathogenic (1 of 4 stars; one submission).

Conditions:
Familial cancer of breast. Also called: hereditary breast carcinoma; Hereditary breast cancer; BREAST CANCER, FAMILIAL. Identifiers: Orphanet 227535, MedGen C0346153, MONDO:0016419, OMIM 114480. Disease mechanism: loss of function.

Submission:

Myriad Genetics, Inc.
Classification: Pathogenic for Familial cancer of breast. Last evaluated: 2024-09-04. Review status: criteria provided, single submitter. Criteria: Myriad Autosomal Dominant, Autosomal Recessive and X-Linked Classification Criteria (2023). Collection method: clinical testing. Allele origin: unknown.
Comment: This variant is considered pathogenic. This variant creates a frameshift predicted to result in premature protein truncation.

NM_024675.4(PALB2):c.720_729del (p.Asn241fs)

Gene: PALB2 (partner and localizer of BRCA2; minus strand). Cytogenetic location: 16p12.2.
Variant type: Deletion.
Coding change: c.720_729del on transcript NM_024675.4 (MANE Select); coding-DNA positions 720 to 729, 10 bases deleted (TAATTTCACC; older notation c.720_729delTAATTTCACC).
Protein change: p.Asn241fs; shifts the reading frame from asparagine 241.
Molecular consequence: frameshift variant. On other transcripts: 5 prime UTR variant (8), intron variant (3).
Genome position (GRCh38, 1-based): chr16:23,635,817-23,635,826, GGTGAAATTA deleted on the plus strand (TAATTTCACC on the coding strand, the reverse complement: PALB2 is on the minus strand); deleting any 10 consecutive bases within chr16:23,635,817-23,635,829 gives the same sequence; the c. name uses the placement nearest the transcript's 3' end. VCF-style (leftmost placement, unchanged base first): chr16-23635816-TGGTGAAATTA-T. GRCh37 (hg19) VCF-style: chr16-23647137-TGGTGAAATTA-T.
Other names: c.660_669del, p.Asn221fs (NM_001407296.1); c.720_729del, p.Asn241fs (NM_001407297.1, NM_001407298.1, NM_001407299.1 and 3 more transcripts); c.-166_-157del (NM_001407304.1, NM_001407305.1, NM_001407306.1 and 5 more transcripts); c.48+5284_48+5293del (NM_001407314.1); c.-105+5284_-105+5293del (NM_001407313.1, NM_001407312.1); short protein forms N221fs, N241fs.
Identifiers: ClinVar variation 3379274 (VCV003379274.1).
Genomic context (GRCh38, chr16:23,635,816, plus strand): 5'-GTTCAAGGTGCTGACTACTACCGCTATCTGATAGAGTCTGTAAAGGAACTGTAGTCGCCC[TGGTGAAATTA>T]GGTCTTCTTAGGAATGTATCAACACCTTTTTCTGGTTGGGCAGTTGGTGGAATTAATACA-3'